The following is an entry in ClinVar:

ClinVar aggregate classification (germline): Uncertain significance (1 of 4 stars; one submission).

Submission:

Labcorp Genetics (formerly Invitae), Labcorp
Classification: Uncertain significance. Last evaluated: 2024-02-02. Review status: criteria provided, single submitter. Criteria: Invitae Variant Classification Sherloc (09022015). Collection method: clinical testing. Allele origin: germline.
Comment: This sequence change replaces proline, which is neutral and non-polar, with alanine, which is neutral and non-polar, at codon 141 of the BRWD3 protein (p.Pro141Ala). This variant is not present in population databases (gnomAD no frequency). This variant has not been reported in the literature in individuals affected with BRWD3-related conditions. Advanced modeling of protein sequence and biophysical properties (such as structural, functional, and spatial information, amino acid conservation, physicochemical variation, residue mobility, and thermodynamic stability) performed at Invitae indicates that this missense variant is not expected to disrupt BRWD3 protein function with a negative predictive value of 80%. In summary, the available evidence is currently insufficient to determine the role of this variant in disease. Therefore, it has been classified as a Variant of Uncertain Significance.

NM_153252.5(BRWD3):c.421C>G (p.Pro141Ala)

Gene: BRWD3 (bromodomain and WD repeat domain containing 3; minus strand). Cytogenetic location: Xq21.1.
Variant type: single nucleotide variant.
Coding change: c.421C>G on transcript NM_153252.5 (MANE Select); coding-DNA position 421, C replaced by G.
Protein change: p.Pro141Ala; replaces proline 141 with alanine.
Molecular consequence: missense variant.
Genome position (GRCh38, 1-based): chrX:80,791,863, G>C on the plus strand (C>G on the coding strand, the complement: BRWD3 is on the minus strand). VCF-style: chrX-80791863-G-C. GRCh37 (hg19) VCF-style: chrX-80047362-G-C.
Other names: short protein forms P141A.
Identifiers: ClinVar variation 3638550 (VCV003638550.2).